The following is an entry in ClinVar:

ClinVar aggregate classification (germline): Likely benign. Review status: criteria provided, single submitter (1 of 4 stars). 2 submissions from 2 submitters: Likely benign (1). 1 of the submissions does not count toward it. Last evaluated 2025-08-10.

Conditions:
PLEC-related disorder. Also called: PLEC-related disorders; PLEC-related condition.
Autosomal recessive limb-girdle muscular dystrophy type 2Q (LGMDR17). Also called: MUSCULAR DYSTROPHY, LIMB-GIRDLE, AUTOSOMAL RECESSIVE 17. Identifiers: Orphanet 254361, MedGen C3150989, MONDO:0013390, OMIM 613723.
Epidermolysis bullosa simplex 5B, with muscular dystrophy (EBS5B). Also called: Epidermolysis bullosa simplex with muscular dystrophy; EPIDERMOLYSIS BULLOSA SIMPLEX AND LIMB-GIRDLE MUSCULAR DYSTROPHY. Identifiers: Orphanet 257, MedGen C2931072, MONDO:0009181, OMIM 226670.
Epidermolysis bullosa simplex 5C, with pyloric atresia (EBS5C). Also called: PLEC1-Related Epidermolysis Bullosa with Pyloric Atresia; PLEC-Related Epidermolysis Bullosa with Pyloric Atresia; Epidermolysis bullosa simplex with pyloric atresia. Identifiers: Orphanet 158684, MedGen C2677349, MONDO:0012807, OMIM 612138.
Epidermolysis bullosa simplex, Ogna type (EBS5A). Also called: Pidermolysis bullosa simplex 5A, Ogna type; EPIDERMOLYSIS BULLOSA SIMPLEX 5A, OGNA TYPE. Identifiers: Orphanet 79401, MedGen C0432317, MONDO:0007555, OMIM 131950.
Epidermolysis bullosa simplex with nail dystrophy (EBS5D). Identifiers: MedGen C4225309, MONDO:0014661, OMIM 616487.

Allele frequency attached by ClinVar (database versions not stated): gnomAD 0.00001; gnomAD exomes 0.00001 and 0.00002.
gnomAD v4.1: 20 of 1,534,146 alleles (0.0013%); highest among the groups gnomAD compares: Non-Finnish European, 0.0016%; no homozygotes.

Submissions (2):

Labcorp Genetics (formerly Invitae), Labcorp
Classification: Likely benign for Autosomal recessive limb-girdle muscular dystrophy type 2Q; Epidermolysis bullosa simplex, Ogna type; Epidermolysis bullosa simplex with nail dystrophy; Epidermolysis bullosa simplex 5C, with pyloric atresia; Epidermolysis bullosa simplex 5B, with muscular dystrophy. Last evaluated: 2025-08-10. Review status: criteria provided, single submitter. Criteria: Invitae Variant Classification Sherloc (09022015). Collection method: clinical testing. Allele origin: germline.

PreventionGenetics, part of Exact Sciences
Classification: Likely benign for PLEC-related condition. Last evaluated: 2019-09-19. Review status: no assertion criteria provided. Collection method: clinical testing. Allele origin: germline. Not counted in ClinVar's aggregate classification.
Comment: This variant is classified as likely benign based on ACMG/AMP sequence variant interpretation guidelines (Richards et al. 2015 PMID: 25741868, with internal and published modifications).

NM_201384.3(PLEC):c.5217G>A (p.Leu1739=)

Gene: PLEC (plectin; minus strand). Cytogenetic location: 8q24.3.
Variant type: single nucleotide variant.
Coding change: c.5217G>A on transcript NM_201384.3 (MANE Select); coding-DNA position 5217, G replaced by A.
Protein change: p.Leu1739=; no amino-acid change (leucine 1739 retained).
Molecular consequence: synonymous variant.
Genome position (GRCh38, 1-based): chr8:143,924,712, C>T on the plus strand (G>A on the coding strand, the complement: PLEC is on the minus strand). VCF-style: chr8-143924712-C-T. GRCh37 (hg19) VCF-style: chr8-144998880-C-T.
Other names: c.5298G>A (NM_000445.4); c.5298G>A, p.Leu1766= (NM_000445.5); c.5175G>A, p.Leu1725= (NM_201378.4); c.5151G>A, p.Leu1717= (NM_201379.3); c.5628G>A, p.Leu1876= (NM_201380.4); c.5121G>A, p.Leu1707= (NM_201381.3); c.5217G>A, p.Leu1739= (NM_201382.4); c.5229G>A, p.Leu1743= (NM_201383.3).
Identifiers: ClinVar variation 1126254 (VCV001126254.9), dbSNP rs934111999, ClinGen allele CA187616147.